The following is an entry in ClinVar:

ClinVar aggregate classification (germline): Uncertain significance (1 of 4 stars; one submission).

Submission:

GeneDx
Classification: Uncertain significance. Last evaluated: 2025-01-09. Review status: criteria provided, single submitter. Criteria: GeneDx Variant Classification Process June 2021. Collection method: clinical testing. Allele origin: germline. Affected: yes.
Comment: Not observed at significant frequency in large population cohorts (gnomAD); In silico analysis indicates that this missense variant does not alter protein structure/function; Has not been previously published as pathogenic or benign to our knowledge.

NM_153252.5(BRWD3):c.2719A>G (p.Lys907Glu)

Gene: BRWD3 (bromodomain and WD repeat domain containing 3; minus strand). Cytogenetic location: Xq21.1.
Variant type: single nucleotide variant.
Coding change: c.2719A>G on transcript NM_153252.5 (MANE Select); coding-DNA position 2719, A replaced by G.
Protein change: p.Lys907Glu; replaces lysine 907 with glutamic acid.
Molecular consequence: missense variant.
Genome position (GRCh38, 1-based): chrX:80,704,680, T>C on the plus strand (A>G on the coding strand, the complement: BRWD3 is on the minus strand). VCF-style: chrX-80704680-T-C. GRCh37 (hg19) VCF-style: chrX-79960179-T-C.
Other names: short protein forms K907E.
Identifiers: ClinVar variation 4056944 (VCV004056944.1).